The following is an entry in ClinVar:

ClinVar aggregate classification (germline): Pathogenic (1 of 4 stars; one submission).

Conditions:
Polycystic kidney disease, adult type (PKD1). Also called: POLYCYSTIC KIDNEY DISEASE, ADULT, TYPE I; Polycystic Kidney, Autosomal Dominant; Polycystic Kidney Disease 1, Autosomal Dominant; Polycystic kidney disease 1; Polycystic kidney disease 1, severe; POLYCYSTIC KIDNEY DISEASE 1 WITH OR WITHOUT POLYCYSTIC LIVER DISEASE. Identifiers: MedGen C3149841, MONDO:0008263, OMIM 173900.

Submission:

MVZ Medizinische Genetik Mainz
Classification: Pathogenic for Polycystic kidney disease, adult type. Last evaluated: 2024-11-28. Review status: criteria provided, single submitter. Criteria: UK Practice Guidelines For Variant Classification V4 01 2020. Collection method: clinical testing. Allele origin: germline. Inheritance: Autosomal dominant inheritance. Affected: yes. Observed: 1 variant allele.
Comment: ACMG Criteria: PVS1,PM2_SUP,PP4

NM_001009944.3(PKD1):c.6794dup (p.Tyr2265Ter)

Gene: PKD1 (polycystin 1, transient receptor potential channel interacting; minus strand). Cytogenetic location: 16p13.3.
Variant type: Duplication.
Coding change: c.6794dup on transcript NM_001009944.3 (MANE Select); coding-DNA position 6794, one base duplicated (A; older notation c.6794dupA).
Protein change: p.Tyr2265Ter; replaces tyrosine 2265 with a stop codon.
Molecular consequence: nonsense.
Genome position (GRCh38, 1-based): chr16:2,108,373, T duplicated on the plus strand (A on the coding strand, the reverse complement: PKD1 is on the minus strand). VCF-style (leftmost placement, unchanged base first): chr16-2108372-G-GT. GRCh37 (hg19) VCF-style: chr16-2158373-G-GT.
Other names: c.6794dup, p.Tyr2265Ter (NM_000296.4); short protein forms Y2265*.
Identifiers: ClinVar variation 3392537 (VCV003392537.1).